The following is an entry in ClinVar:

NM_005529.7(HSPG2):c.9718G>A (p.Ala3240Thr)

Gene: HSPG2 (heparan sulfate proteoglycan 2; minus strand). Cytogenetic location: 1p36.12.
Variant type: single nucleotide variant.
Coding change: c.9718G>A on transcript NM_005529.7 (MANE Select); coding-DNA position 9718, G replaced by A.
Protein change: p.Ala3240Thr; replaces alanine 3240 with threonine.
Molecular consequence: missense variant.
Genome position (GRCh38, 1-based): chr1:21,839,542, C>T on the plus strand (G>A on the coding strand, the complement: HSPG2 is on the minus strand). VCF-style: chr1-21839542-C-T. GRCh37 (hg19) VCF-style: chr1-22166035-C-T.
Other names: c.9721G>A, p.Ala3241Thr (NM_001291860.2); short protein forms A3241T, A3240T.
Identifiers: ClinVar variation 1406696 (VCV001406696.8), dbSNP rs776099447, ClinGen allele CA670348.

ClinVar aggregate classification (germline): Uncertain significance (1 of 4 stars; one submission).

Allele frequency attached by ClinVar (database versions not stated): gnomAD exomes below 0.00001 and 0.00001; ExAC 0.00001; gnomAD 0.00001.
gnomAD v4.1: 15 of 1,613,574 alleles (0.00093%); highest among the groups gnomAD compares: African/African-American, 0.004%; no homozygotes.

Submission:

Labcorp Genetics (formerly Invitae), Labcorp
Classification: Uncertain significance. Last evaluated: 2021-01-08. Review status: criteria provided, single submitter. Criteria: Invitae Variant Classification Sherloc (09022015). Collection method: clinical testing. Allele origin: germline.
Comment: In summary, the available evidence is currently insufficient to determine the role of this variant in disease. Therefore, it has been classified as a Variant of Uncertain Significance. Algorithms developed to predict the effect of missense changes on protein structure and function output the following: SIFT: "Tolerated"; PolyPhen-2: "Benign"; Align-GVGD: "Class C0". The threonine amino acid residue is found in multiple mammalian species, suggesting that this missense change does not adversely affect protein function. These predictions have not been confirmed by published functional studies and their clinical significance is uncertain. This variant has not been reported in the literature in individuals with HSPG2-related conditions. This variant is present in population databases (rs776099447, ExAC 0.002%). This sequence change replaces alanine with threonine at codon 3240 of the HSPG2 protein (p.Ala3240Thr). The alanine residue is weakly conserved and there is a small physicochemical difference between alanine and threonine.